The following is an entry in ClinVar:

NM_001042492.3(NF1):c.6007-2A>C

Gene: NF1 (neurofibromin 1; plus strand). Cytogenetic location: 17q11.2.
Variant type: single nucleotide variant.
Coding change: c.6007-2A>C on transcript NM_001042492.3 (MANE Select); the canonical splice acceptor site of the intron before coding-DNA position 6007, A replaced by C.
Molecular consequence: splice acceptor variant.
Genome position (GRCh38, 1-based): chr17:31,336,331, A>C. VCF-style: chr17-31336331-A-C. GRCh37 (hg19) VCF-style: chr17-29663349-A-C.
Other names: c.5944-2A>C (NM_000267.4).
Identifiers: ClinVar variation 3404770 (VCV003404770.1).

ClinVar aggregate classification (germline): Pathogenic (1 of 4 stars; one submission).

Conditions:
Hereditary cancer-predisposing syndrome. Also called: Hereditary Cancer Syndrome; Tumor predisposition; Hereditary neoplastic syndrome; Neoplastic Syndromes, Hereditary. Identifiers: Orphanet 140162, MedGen C0027672, MeSH D009386, MONDO:0015356.
Cardiovascular phenotype. Identifiers: MedGen CN230736.

Submission:

Ambry Genetics
Classification: Pathogenic for Cardiovascular phenotype; Hereditary cancer-predisposing syndrome. Last evaluated: 2024-10-10. Review status: criteria provided, single submitter. Criteria: Ambry Variant Classification Scheme 2023. Collection method: clinical testing. Allele origin: germline.
Comment: The c.5944-2A>C intronic pathogenic mutation results from an A to C substitution two nucleotides upstream from coding exon 40 in the NF1 gene. Two other variants impacting the same acceptor site (c.5944-2A>G and c.5944-1G>C) have been detected in multiple individuals with a clinical diagnosis of neurofibromatosis type 1 (NF1) (Fahsold R et al. Am J Hum Genet, 2000 Mar;66:790-818; Mattocks C et al. J Med Genet. 2004 Apr;41(4):e48; Upadhyaya M et al. Hum Mutat, 2006 Jul;27:716; Ambry internal data). This variant is considered to be rare based on population cohorts in the Genome Aggregation Database (gnomAD). This nucleotide position is highly conserved in available vertebrate species. In silico splice site analysis predicts that this alteration will weaken the native splice acceptor site and will result in the creation or strengthening of a novel splice acceptor site. Alterations that disrupt the canonical splice site are expected to cause aberrant splicing, resulting in an abnormal protein or a transcript that is subject to nonsense-mediated mRNA decay. As such, this alteration is classified as a disease-causing mutation.